The following is an entry in ClinVar:

ClinVar aggregate classification (germline): Uncertain significance. Review status: criteria provided, multiple submitters, no conflicts (2 of 4 stars). 4 submissions from 4 submitters: Uncertain significance (4). Last evaluated 2026-02-12.

Conditions:
PKD1-related disorder. Also called: PKD1-related condition.
Polycystic kidney disease, adult type (PKD1). Also called: POLYCYSTIC KIDNEY DISEASE, ADULT, TYPE I; Polycystic Kidney Disease 1, Autosomal Dominant; Polycystic kidney disease 1; Polycystic kidney disease 1, severe; Polycystic Kidney, Autosomal Dominant; POLYCYSTIC KIDNEY DISEASE 1 WITH OR WITHOUT POLYCYSTIC LIVER DISEASE. Identifiers: MedGen C3149841, MONDO:0008263, OMIM 173900.

Allele frequency attached by ClinVar (database versions not stated): gnomAD 0.00005; gnomAD exomes 0.00006; TOPMed 0.00006; ExAC 0.00007.

Submissions (4):

PreventionGenetics, part of Exact Sciences
Classification: Uncertain significance for PKD1-related condition. Last evaluated: 2026-02-12. Review status: criteria provided, single submitter. Criteria: ACMG Guidelines, 2015. Collection method: clinical testing. Allele origin: germline.
Comment: The PKD1 c.7516G>A variant is predicted to result in the amino acid substitution p.Ala2506Thr. To our knowledge, this variant has not been reported in the literature. This variant is reported in 0.0074% of alleles in individuals of European (Non-Finnish) descent in gnomAD v2.1.1, but in 0.113% of alleles in individuals of Middle Eastern descent in in gnomAD v4.1.0. The REVEL (rare exome variant ensemble learner) program predicts this variant is benign at a "strong" level (Ioannidis et al. 2016. PubMed ID: 27666373; Bergquist et al. 2025. PubMed ID: 40084623). Although we suspect that this variant may be benign, at this time, the clinical significance of this variant is uncertain due to the absence of conclusive functional and genetic evidence.

Genomic Medicine Center of Excellence, King Faisal Specialist Hospital and Research Centre
Classification: Uncertain significance for Polycystic kidney disease, adult type. Last evaluated: 2024-12-19. Review status: criteria provided, single submitter. Criteria: ACMG Guidelines, 2015. Collection method: clinical testing. Allele origin: germline.

Fulgent Genetics
Classification: Uncertain significance for Polycystic kidney disease, adult type. Last evaluated: 2024-06-17. Review status: criteria provided, single submitter. Criteria: ACMG Guidelines, 2015. Collection method: clinical testing. Allele origin: germline.

CeGaT Center for Human Genetics Tuebingen
Classification: Uncertain significance. Last evaluated: 2023-03-01. Review status: criteria provided, single submitter. Criteria: CeGaT Center For Human Genetics Tuebingen Variant Classification Criteria Version 2. Collection method: clinical testing. Allele origin: germline. Affected: yes. Observed: 1 variant allele.
Comment: PKD1: PM2

NM_001009944.3(PKD1):c.7516G>A (p.Ala2506Thr)

Gene: PKD1 (polycystin 1, transient receptor potential channel interacting; minus strand). Cytogenetic location: 16p13.3.
Variant type: single nucleotide variant.
Coding change: c.7516G>A on transcript NM_001009944.3 (MANE Select); coding-DNA position 7516, G replaced by A.
Protein change: p.Ala2506Thr; replaces alanine 2506 with threonine.
Molecular consequence: missense variant.
Genome position (GRCh38, 1-based): chr16:2,106,278, C>T on the plus strand (G>A on the coding strand, the complement: PKD1 is on the minus strand). VCF-style: chr16-2106278-C-T. GRCh37 (hg19) VCF-style: chr16-2156279-C-T.
Other names: c.7516G>A, p.Ala2506Thr (NM_000296.4); short protein forms A2506T.
Identifiers: ClinVar variation 2646003 (VCV002646003.27), dbSNP rs755942659, ClinGen allele CA7831054.